The following is an entry in ClinVar:

NM_181486.4(TBX5):c.*524A>T

Gene: TBX5 (T-box transcription factor 5; minus strand). Cytogenetic location: 12q24.21.
Variant type: single nucleotide variant.
Coding change: c.*524A>T on transcript NM_181486.4 (MANE Select); 524 bases downstream of the stop codon, A replaced by T.
Molecular consequence: 3 prime UTR variant.
Genome position (GRCh38, 1-based): chr12:114,355,008, T>A on the plus strand (A>T on the coding strand, the complement: TBX5 is on the minus strand). VCF-style: chr12-114355008-T-A. GRCh37 (hg19) VCF-style: chr12-114792813-T-A.
Other names: c.*524A>T (NM_000192.3, NM_080717.4).
Identifiers: ClinVar variation 307293 (VCV000307293.5), dbSNP rs76799455, ClinGen allele CA10641020.

ClinVar aggregate classification (germline): Benign (1 of 4 stars; one submission).

Conditions:
Holt-Oram syndrome (HOS). Also called: Ventriculo-radial syndrome; Cardiac-limb syndrome; Heart-hand syndrome, type 1; TBX5-Related Holt-Oram Syndrome. Identifiers: Orphanet 392, MedGen C0265264, MONDO:0007732, OMIM 142900.

Allele frequency attached by ClinVar (database versions not stated): 1000 Genomes Project 30x 0.00047; gnomAD exomes 0.00081; TOPMed 0.00130; gnomAD 0.00142 and 0.00145; 1000 Genomes Project 0.00040.
gnomAD v4.1: 222 of 162,406 alleles (0.14%); highest among the groups gnomAD compares: Non-Finnish European, 0.26%; no homozygotes.

Submission:

Illumina Laboratory Services, Illumina
Classification: Benign for Holt-Oram syndrome. Last evaluated: 2018-01-13. Review status: criteria provided, single submitter. Criteria: ICSL Variant Classification Criteria 13 December 2019. Collection method: clinical testing. Allele origin: germline.
Comment: This variant was observed in the ICSL laboratory as part of a predisposition screen in an ostensibly healthy population. It had not been previously curated by ICSL or reported in the Human Gene Mutation Database (HGMD: prior to June 1st, 2018), and was therefore a candidate for classification through an automated scoring system. Utilizing variant allele frequency, disease prevalence and penetrance estimates, and inheritance mode, an automated score was calculated to assess if this variant is too frequent to cause the disease. Based on the score and internal cut-off values, a variant classified as benign is not then subjected to further curation. The score for this variant resulted in a classification of benign for this disease.